The following is an entry in ClinVar:

NM_004364.5(CEBPA):c.376G>A (p.Gly126Arg)

Gene: CEBPA (CCAAT enhancer binding protein alpha; minus strand). Cytogenetic location: 19q13.11.
Variant type: single nucleotide variant.
Coding change: c.376G>A on transcript NM_004364.5 (MANE Select); coding-DNA position 376, G replaced by A.
Protein change: p.Gly126Arg; replaces glycine 126 with arginine.
Molecular consequence: missense variant.
Genome position (GRCh38, 1-based): chr19:33,302,039, C>T on the plus strand (G>A on the coding strand, the complement: CEBPA is on the minus strand). VCF-style: chr19-33302039-C-T. GRCh37 (hg19) VCF-style: chr19-33792945-C-T.
Other names: c.19G>A, p.Gly7Arg (NM_001285829.2); c.481G>A, p.Gly161Arg (NM_001287424.2); c.334G>A, p.Gly112Arg (NM_001287435.2); short protein forms G126R, G112R, G161R, G7R.
Identifiers: ClinVar variation 2814672 (VCV002814672.4), dbSNP rs1967186993, ClinGen allele CA405275082.

ClinVar aggregate classification (germline): Uncertain significance. Review status: criteria provided, multiple submitters, no conflicts (2 of 4 stars). 2 submissions from 2 submitters: Uncertain significance (2). Last evaluated 2025-09-18.

Conditions:
Acute myeloid leukemia (AML). Also called: Acute myeloid leukemia, adult; AML adult; Acute non-lymphocytic leukemia; Acute granulocytic leukemia; Leukemia, acute myeloid, somatic; Leukemia, acute myelogenous, somatic. Identifiers: Orphanet 519, MedGen C0023467, MeSH D015470, MONDO:0018874, OMIM 601626, HP:0004808. Disease mechanism: Constitutively activated FLT3.
Inborn genetic diseases. Identifiers: MedGen C0950123, MeSH D030342.

Submissions (2):

Ambry Genetics
Classification: Uncertain significance for Inborn genetic diseases. Last evaluated: 2025-09-18. Review status: criteria provided, single submitter. Criteria: Ambry Variant Classification Scheme 2023. Collection method: clinical testing. Allele origin: germline.
Comment: The p.G126R variant (also known as c.376G>A), located in coding exon 1 of the CEBPA gene, results from a G to A substitution at nucleotide position 376. The glycine at codon 126 is replaced by arginine, an amino acid with dissimilar properties. This amino acid position is conserved. In addition, this alteration is predicted to be tolerated by in silico analysis. Based on the available evidence, the clinical significance of this variant remains unclear.

Labcorp Genetics (formerly Invitae), Labcorp
Classification: Uncertain significance for Acute myeloid leukemia. Last evaluated: 2023-03-02. Review status: criteria provided, single submitter. Criteria: Invitae Variant Classification Sherloc (09022015). Collection method: clinical testing. Allele origin: germline.
Comment: In summary, the available evidence is currently insufficient to determine the role of this variant in disease. Therefore, it has been classified as a Variant of Uncertain Significance. This variant has not been reported in the literature in individuals affected with CEBPA-related conditions. Advanced modeling of protein sequence and biophysical properties (such as structural, functional, and spatial information, amino acid conservation, physicochemical variation, residue mobility, and thermodynamic stability) performed at Invitae indicates that this missense variant is not expected to disrupt CEBPA protein function. The frequency data for this variant in the population databases is considered unreliable, as metrics indicate insufficient coverage at this position in the gnomAD database. This sequence change replaces glycine, which is neutral and non-polar, with arginine, which is basic and polar, at codon 126 of the CEBPA protein (p.Gly126Arg).